The following is an entry in ClinVar:

ClinVar aggregate classification (germline): Uncertain significance. Review status: criteria provided, multiple submitters, no conflicts (2 of 4 stars). 2 submissions from 2 submitters: Uncertain significance (2). Last evaluated 2025-02-19.

Conditions:
Infantile-onset X-linked spinal muscular atrophy. Also called: AMC, DISTAL, X-LINKED; Spinal Muscular Atrophy, X-Linked Infantile; SPINAL MUSCULAR ATROPHY, X-LINKED LETHAL INFANTILE; ARTHROGRYPOSIS, X-LINKED, TYPE I; Spinal muscular atrophy, X-linked 2. Identifiers: Orphanet 1145, MedGen C1844934, MONDO:0010532, OMIM 301830.
Inborn genetic diseases. Identifiers: MedGen C0950123, MeSH D030342.

Allele frequency attached by ClinVar (database versions not stated): ExAC 0.00001; gnomAD exomes 0.00001.
gnomAD v4.1: 6 of 1,205,867 alleles (0.0005%); highest among the groups gnomAD compares: East Asian, 0.0059%; no homozygotes.

Submissions (2):

Ambry Genetics
Classification: Uncertain significance for Inborn genetic diseases. Last evaluated: 2025-02-19. Review status: criteria provided, single submitter. Criteria: Ambry Variant Classification Scheme 2023. Collection method: clinical testing. Allele origin: germline.

Labcorp Genetics (formerly Invitae), Labcorp
Classification: Uncertain significance for Infantile-onset X-linked spinal muscular atrophy. Last evaluated: 2023-06-24. Review status: criteria provided, single submitter. Criteria: Invitae Variant Classification Sherloc (09022015). Collection method: clinical testing. Allele origin: germline.
Comment: In summary, the available evidence is currently insufficient to determine the role of this variant in disease. Therefore, it has been classified as a Variant of Uncertain Significance. An algorithm developed to predict the effect of missense changes on protein structure and function (PolyPhen-2) suggests that this variant is likely to be tolerated. ClinVar contains an entry for this variant (Variation ID: 580504). This variant has not been reported in the literature in individuals affected with UBA1-related conditions. This variant is present in population databases (rs781852793, gnomAD 0.008%), including at least one homozygous and/or hemizygous individual. This sequence change replaces arginine, which is basic and polar, with histidine, which is basic and polar, at codon 825 of the UBA1 protein (p.Arg825His).

NM_003334.4(UBA1):c.2474G>A (p.Arg825His)

Gene: UBA1 (ubiquitin like modifier activating enzyme 1; plus strand). Cytogenetic location: Xp11.3.
Variant type: single nucleotide variant.
Coding change: c.2474G>A on transcript NM_003334.4 (MANE Select); coding-DNA position 2474, G replaced by A.
Protein change: p.Arg825His; replaces arginine 825 with histidine.
Molecular consequence: missense variant.
Genome position (GRCh38, 1-based): chrX:47,212,433, G>A. VCF-style: chrX-47212433-G-A. GRCh37 (hg19) VCF-style: chrX-47071832-G-A.
Other names: c.2474G>A, p.Arg825His (NM_153280.3); short protein forms R825H.
Identifiers: ClinVar variation 580504 (VCV000580504.10), dbSNP rs781852793, ClinGen allele CA10396141.